The following is an entry in ClinVar:

ClinVar aggregate classification (germline): Uncertain significance (1 of 4 stars; one submission).

Submission:

GeneDx
Classification: Uncertain significance. Last evaluated: 2024-03-22. Review status: criteria provided, single submitter. Criteria: GeneDx Variant Classification Process June 2021. Collection method: clinical testing. Allele origin: germline. Affected: yes.
Comment: Not observed at significant frequency in large population cohorts (gnomAD); In silico analysis supports that this missense variant has a deleterious effect on protein structure/function; Has not been previously published as pathogenic or benign to our knowledge

NM_013450.4(BAZ2B):c.100C>T (p.Leu34Phe)

Gene: BAZ2B (bromodomain adjacent to zinc finger domain 2B; minus strand). Cytogenetic location: 2q24.2.
Variant type: single nucleotide variant.
Coding change: c.100C>T on transcript NM_013450.4 (MANE Select); coding-DNA position 100, C replaced by T.
Protein change: p.Leu34Phe; replaces leucine 34 with phenylalanine.
Molecular consequence: missense variant.
Genome position (GRCh38, 1-based): chr2:159,478,620, G>A on the plus strand (C>T on the coding strand, the complement: BAZ2B is on the minus strand). VCF-style: chr2-159478620-G-A. GRCh37 (hg19) VCF-style: chr2-160335131-G-A.
Other names: c.100C>T, p.Leu34Phe (NM_001289975.1, NM_001329857.2, NM_001329858.2); short protein forms L34F.
Identifiers: ClinVar variation 3371446 (VCV003371446.1).